The following is an entry in ClinVar:

ClinVar aggregate classification (germline): Likely pathogenic (1 of 4 stars; one submission).

Submission:

CeGaT Center for Human Genetics Tuebingen
Classification: Likely pathogenic. Last evaluated: 2025-08-01. Review status: criteria provided, single submitter. Criteria: CeGaT Center For Human Genetics Tuebingen Variant Classification Criteria Version 2. Collection method: clinical testing. Allele origin: germline. Affected: yes. Observed: 1 variant allele.
Comment: GRIN2B: PVS1:Strong, PM2

NM_000834.5(GRIN2B):c.2608dup (p.Ser870fs)

Gene: GRIN2B (glutamate ionotropic receptor NMDA type subunit 2B; minus strand). Cytogenetic location: 12p13.1.
Variant type: Duplication.
Coding change: c.2608dup on transcript NM_000834.5 (MANE Select); coding-DNA position 2608, one base duplicated (A; older notation c.2608dupA).
Protein change: p.Ser870fs; shifts the reading frame from serine 870.
Molecular consequence: frameshift variant.
Genome position (GRCh38, 1-based): chr12:13,564,630, T duplicated on the plus strand (A on the coding strand, the reverse complement: GRIN2B is on the minus strand). VCF-style (leftmost placement, unchanged base first): chr12-13564629-C-CT. GRCh37 (hg19) VCF-style: chr12-13717563-C-CT.
Other names: c.2608dup, p.Ser870fs (NM_001413992.1); short protein forms S870fs.
Identifiers: ClinVar variation 4085899 (VCV004085899.8).